The following is an entry in ClinVar:

ClinVar aggregate classification (germline): Likely benign (1 of 4 stars; one submission).

gnomAD v4.1: 83 of 1,612,222 alleles (0.0051%); highest among the groups gnomAD compares: South Asian, 0.042%; 1 homozygote.

Submission:

CeGaT Center for Human Genetics Tuebingen
Classification: Likely benign. Last evaluated: 2026-09-01. Review status: criteria provided, single submitter. Criteria: CeGaT Center For Human Genetics Tuebingen Variant Classification Criteria Version 2. Collection method: clinical testing. Allele origin: germline. Affected: yes. Observed: 1 variant allele.
Comment: BUD13: BP4, BS2

NM_032725.4(BUD13):c.556G>C (p.Asp186His)

Gene: BUD13 (BUD13 spliceosome associated protein; minus strand). Cytogenetic location: 11q23.3.
Variant type: single nucleotide variant.
Coding change: c.556G>C on transcript NM_032725.4 (MANE Select); coding-DNA position 556, G replaced by C.
Protein change: p.Asp186His; replaces aspartic acid 186 with histidine.
Molecular consequence: missense variant.
Genome position (GRCh38, 1-based): chr11:116,763,033, C>G on the plus strand (G>C on the coding strand, the complement: BUD13 is on the minus strand). VCF-style: chr11-116763033-C-G. GRCh37 (hg19) VCF-style: chr11-116633749-C-G.
Other names: c.556G>C, p.Asp186His (NM_001159736.2); short protein forms D186H.
Identifiers: ClinVar variation 5041125 (VCV005041125.1).